The following is an entry in ClinVar:

ClinVar aggregate classification (germline): Uncertain significance. Review status: criteria provided, multiple submitters, no conflicts (2 of 4 stars). 2 submissions from 2 submitters: Uncertain significance (2). Last evaluated 2025-04-07.

Conditions:
Inborn genetic diseases. Identifiers: MedGen C0950123, MeSH D030342.
ADNP-related disorder. Also called: ADNP-related condition.

Allele frequency attached by ClinVar (database versions not stated): gnomAD 0.00001; TOPMed 0.00001.
gnomAD v4.1: 3 of 1,613,988 alleles (0.00019%); highest among the groups gnomAD compares: African/African-American, 0.0027%; no homozygotes.

Submissions (2):

PreventionGenetics, part of Exact Sciences
Classification: Uncertain significance for ADNP-related condition. Last evaluated: 2025-04-07. Review status: criteria provided, single submitter. Criteria: ACMG Guidelines, 2015. Collection method: clinical testing. Allele origin: germline.
Comment: The ADNP c.1028T>C variant is predicted to result in the amino acid substitution p.Val343Ala. To our knowledge, this variant has not been reported in the literature. This variant is reported in 0.0062% of alleles in individuals of African descent in gnomAD. At this time, the clinical significance of this variant is uncertain due to the absence of conclusive functional and genetic evidence.

Ambry Genetics
Classification: Uncertain significance for Inborn genetic diseases. Last evaluated: 2024-02-28. Review status: criteria provided, single submitter. Criteria: Ambry Variant Classification Scheme 2023. Collection method: clinical testing. Allele origin: germline.

NM_001282531.3(ADNP):c.1028T>C (p.Val343Ala)

Gene: ADNP (activity dependent neuroprotector homeobox; minus strand). Cytogenetic location: 20q13.13.
Variant type: single nucleotide variant.
Coding change: c.1028T>C on transcript NM_001282531.3 (MANE Select); coding-DNA position 1028, T replaced by C.
Protein change: p.Val343Ala; replaces valine 343 with alanine.
Molecular consequence: missense variant.
Genome position (GRCh38, 1-based): chr20:50,893,686, A>G on the plus strand (T>C on the coding strand, the complement: ADNP is on the minus strand). VCF-style: chr20-50893686-A-G. GRCh37 (hg19) VCF-style: chr20-49510223-A-G.
Other names: c.1028T>C, p.Val343Ala (NM_001282532.2, NM_001347511.2, NM_015339.5 and 1 more transcripts); c.1028T>C (NM_015339.2); short protein forms V343A.
Identifiers: ClinVar variation 2637232 (VCV002637232.3), dbSNP rs1202318133, ClinGen allele CA408974748.
Genomic context (GRCh38, chr20:50,893,686, plus strand): 5'-GATTGTTGAGGAATGGAAACTGGTGCGTTGCCACCTAGACCCAGTCTCATTGACTGACCA[A>G]CACTGTAACCCTGGCCTACAGATTTGACTCCATAGTTGTTCTGCTGCAGATGAACACTGG-3'
Protein context (NP_001269460.1, residues 333-353): GVKSVGQGYS[Val343Ala]GQSMRLGLGG